The following is an entry in ClinVar:

NM_006642.5(SDCCAG8):c.1276A>G (p.Thr426Ala)

Gene: SDCCAG8 (SHH signaling and ciliogenesis regulator SDCCAG8; plus strand). Cytogenetic location: 1q43.
Variant type: single nucleotide variant.
Coding change: c.1276A>G on transcript NM_006642.5 (MANE Select); coding-DNA position 1276, A replaced by G.
Protein change: p.Thr426Ala; replaces threonine 426 with alanine.
Molecular consequence: missense variant.
Genome position (GRCh38, 1-based): chr1:243,341,093, A>G. VCF-style: chr1-243341093-A-G. GRCh37 (hg19) VCF-style: chr1-243504395-A-G.
Other names: c.373A>G, p.Thr125Ala (NM_001350246.2, NM_001350247.2, NM_001350251.2); c.1372A>G, p.Thr458Ala (NM_001350248.2); c.982A>G, p.Thr328Ala (NM_001350249.2); short protein forms T426A, T125A, T328A, T458A.
Identifiers: ClinVar variation 392846 (VCV000392846.14), dbSNP rs201580075, ClinGen allele CA1483607.

ClinVar aggregate classification (germline): Uncertain significance. Review status: criteria provided, multiple submitters, no conflicts (2 of 4 stars). 5 submissions from 5 submitters: Uncertain significance (4). 1 of the submissions does not count toward it. Last evaluated 2025-10-30.

Conditions:
Inborn genetic diseases. Identifiers: MedGen C0950123, MeSH D030342.
Senior-Loken syndrome 7 (SLSN7). Identifiers: Orphanet 3156, MedGen C3150877, MONDO:0013326, OMIM 613615.
Bardet-Biedl syndrome 16 (BBS16). Identifiers: Orphanet 110, MedGen C3889474, MONDO:0014444, OMIM 615993.
SDCCAG8-related disorder. Also called: SDCCAG8-Related Disorders; SDCCAG8-related condition.

Allele frequency attached by ClinVar (database versions not stated): gnomAD exomes 0.00002 and 0.00003; ExAC 0.00005; ESP Exome Variant Server 0.00015; gnomAD 0.00028 and 0.00029; TOPMed 0.00028; 1000 Genomes Project 30x 0.00031; 1000 Genomes Project 0.00040.
gnomAD v4.1: 67 of 1,614,106 alleles (0.0042%); highest among the groups gnomAD compares: African/African-American, 0.084%; no homozygotes.

Submissions (5):

Ambry Genetics
Classification: Uncertain significance for Inborn genetic diseases. Last evaluated: 2025-10-30. Review status: criteria provided, single submitter. Criteria: Ambry Variant Classification Scheme 2023. Collection method: clinical testing. Allele origin: germline.

Fulgent Genetics
Classification: Uncertain significance for Senior-Loken syndrome 7; Bardet-Biedl syndrome 16. Last evaluated: 2024-04-03. Review status: criteria provided, single submitter. Criteria: ACMG Guidelines, 2015. Collection method: clinical testing. Allele origin: germline.

Labcorp Genetics (formerly Invitae), Labcorp
Classification: Uncertain significance for Bardet-Biedl syndrome 16; Senior-Loken syndrome 7. Last evaluated: 2023-08-10. Review status: criteria provided, single submitter. Criteria: Invitae Variant Classification Sherloc (09022015). Collection method: clinical testing. Allele origin: germline.
Comment: This variant has not been reported in the literature in individuals affected with SDCCAG8-related conditions. In summary, the available evidence is currently insufficient to determine the role of this variant in disease. Therefore, it has been classified as a Variant of Uncertain Significance. Advanced modeling of protein sequence and biophysical properties (such as structural, functional, and spatial information, amino acid conservation, physicochemical variation, residue mobility, and thermodynamic stability) performed at Invitae indicates that this missense variant is not expected to disrupt SDCCAG8 protein function. ClinVar contains an entry for this variant (Variation ID: 392846). This variant is present in population databases (rs201580075, gnomAD 0.06%). This sequence change replaces threonine, which is neutral and polar, with alanine, which is neutral and non-polar, at codon 426 of the SDCCAG8 protein (p.Thr426Ala).

GeneDx
Classification: Uncertain significance. Last evaluated: 2017-01-30. Review status: criteria provided, single submitter. Criteria: GeneDx Variant Classification (06012015). Collection method: clinical testing. Allele origin: germline. Affected: yes.
Comment: The T426A variant in the SDCCAG8 gene has not been reported previously as a pathogenic variant, nor as a benign variant, to our knowledge. This variant was not observed at any significant frequency in approximately 6500 individuals of European and African American ancestry in the NHLBI Exome Sequencing Project, indicating it is not a common benign variant in these populations. The T426A variant is a non-conservative amino acid substitution, which is likely to impact secondary protein structure as these residues differ in polarity, charge, size and/or other properties. This substitution occurs at a position that is not conserved. In silico analysis predicts this variant is probably damaging to the protein structure/function. We interpret T426A as a variant of uncertain significance.

PreventionGenetics, part of Exact Sciences
Classification: Uncertain significance for SDCCAG8-related condition. Last evaluated: 2024-05-20. Review status: no assertion criteria provided. Collection method: clinical testing. Allele origin: germline. Not counted in ClinVar's aggregate classification.
Comment: The SDCCAG8 c.1276A>G variant is predicted to result in the amino acid substitution p.Thr426Ala. To our knowledge, this variant has not been reported in the literature. This variant is reported in 0.056% of alleles in individuals of African descent in gnomAD, which may be too frequent to be a primary cause of disease. Although we suspect that the c.1276A>G variant may be benign, the clinical significance of this variant is currently classified as uncertain due to the absence of conclusive functional and genetic evidence.